The following is an entry in ClinVar:

ClinVar aggregate classification (germline): Uncertain significance (1 of 4 stars; one submission).

Conditions:
Pulmonary fibrosis and/or bone marrow failure, Telomere-related, 3. Also called: PULMONARY FIBROSIS AND/OR BONE MARROW FAILURE SYNDROME, TELOMERE-RELATED, 3. Identifiers: Orphanet 2032, MedGen C4225346, MONDO:0014613, OMIM 616373.
Dyskeratosis congenita, autosomal recessive 5 (DKCB5). Identifiers: MedGen C3554656, MONDO:0014076, OMIM 615190.

Submission:

Labcorp Genetics (formerly Invitae), Labcorp
Classification: Uncertain significance for Dyskeratosis congenita, autosomal recessive 5; Pulmonary fibrosis and/or bone marrow failure, Telomere-related, 3. Last evaluated: 2022-08-23. Review status: criteria provided, single submitter. Criteria: Invitae Variant Classification Sherloc (09022015). Collection method: clinical testing. Allele origin: germline.
Comment: This sequence change replaces glycine with cysteine at codon 849 of the RTEL1 protein (p.Gly849Cys). The glycine residue is weakly conserved and there is a large physicochemical difference between glycine and cysteine. Information on the frequency of this variant in the gnomAD database is not available, as this variant may be reported differently in the database. This variant has not been reported in the literature in individuals affected with RTEL1-related conditions. ClinVar contains an entry for this variant (Variation ID: 1364956). Experimental studies and prediction algorithms are not available or were not evaluated, and the functional significance of this variant is currently unknown. In summary, the available evidence is currently insufficient to determine the role of this variant in disease. Therefore, it has been classified as a Variant of Uncertain Significance.

NM_001283009.2(RTEL1):c.2544_2545delinsCT (p.Gly849Cys)

Genes: RTEL1 (regulator of telomere elongation helicase 1; plus strand), RTEL1-TNFRSF6B (RTEL1-TNFRSF6B readthrough (NMD candidate); plus strand). Cytogenetic location: 20q13.33.
Variant type: Indel.
Coding change: c.2544_2545delinsCT on transcript NM_001283009.2 (MANE Select); coding-DNA positions 2544 to 2545, TG replaced by CT.
Protein change: p.Gly849Cys; replaces glycine 849 with cysteine.
Molecular consequence: missense variant. On other transcripts: non-coding transcript variant (1).
Genome position (GRCh38, 1-based): chr20:63,690,935-63,690,936, TG replaced by CT. VCF-style: chr20-63690935-TG-CT. GRCh37 (hg19) VCF-style: chr20-62322288-TG-CT.
Other names: c.1875_1876delinsCT, p.Gly626Cys (NM_001283010.1); c.2544_2545delinsCT, p.Gly849Cys (NM_016434.4); c.2616_2617delinsCT, p.Gly873Cys (NM_032957.5); short protein forms G626C, G849C, G873C.
Identifiers: ClinVar variation 1364956 (VCV001364956.6), dbSNP rs2145434898, ClinGen allele CA2573157239.